The following is an entry in ClinVar:

NM_001080438.1(A3GALT2):c.598G>A (p.Val200Met)

Gene: A3GALT2 (alpha 1,3-galactosyltransferase 2; minus strand). Cytogenetic location: 1p35.1.
Variant type: single nucleotide variant.
Coding change: c.598G>A on transcript NM_001080438.1 (MANE Select); coding-DNA position 598, G replaced by A.
Protein change: p.Val200Met; replaces valine 200 with methionine.
Molecular consequence: missense variant.
Genome position (GRCh38, 1-based): chr1:33,307,191, C>T on the plus strand (G>A on the coding strand, the complement: A3GALT2 is on the minus strand). VCF-style: chr1-33307191-C-T. GRCh37 (hg19) VCF-style: chr1-33772792-C-T.
Other names: short protein forms V200M.
Identifiers: ClinVar variation 2638619 (VCV002638619.24), dbSNP rs113218677, ClinGen allele CA748717.
Genomic context (GRCh38, chr1:33,307,191, plus strand): 5'-GCTGCGCCACCGACTCGGCCAGCGCCTCGGGCCCAAAAGTGCCGCTGAAGTGCTGGTCCA[C>T]GTCCATGCAGAACATGAAGTGCGCCTCGCGGCCCGGCAGCCCGCCCAGCGCCGCGTGCAA-3'
Protein context (NP_001073907.1, residues 190-210): REAHFMFCMD[Val200Met]DQHFSGTFGP

ClinVar aggregate classification (germline): Likely benign (1 of 4 stars; one submission).

Allele frequency attached by ClinVar (database versions not stated): 1000 Genomes Project 0.00180; 1000 Genomes Project 30x 0.00203; gnomAD 0.00545; TOPMed 0.00577; ESP Exome Variant Server 0.00617; ExAC 0.00976.
gnomAD v4.1: 11,780 of 1,544,324 alleles (0.76%); highest among the groups gnomAD compares: Non-Finnish European, 0.91%; 67 homozygotes.

Submission:

CeGaT Center for Human Genetics Tuebingen
Classification: Likely benign. Last evaluated: 2023-04-01. Review status: criteria provided, single submitter. Criteria: CeGaT Center For Human Genetics Tuebingen Variant Classification Criteria Version 2. Collection method: clinical testing. Allele origin: germline. Affected: yes. Observed: 1 variant allele.
Comment: A3GALT2: BS2